The following is an entry in ClinVar:

ClinVar aggregate classification (germline): Uncertain significance (1 of 4 stars; one submission).

Allele frequency attached by ClinVar (database versions not stated): gnomAD exomes below 0.00001.
gnomAD v4.1: 5 of 1,612,626 alleles (0.00031%); highest among the groups gnomAD compares: Non-Finnish European, 0.00042%; no homozygotes.

Submission:

Labcorp Genetics (formerly Invitae), Labcorp
Classification: Uncertain significance. Last evaluated: 2024-01-25. Review status: criteria provided, single submitter. Criteria: Invitae Variant Classification Sherloc (09022015). Collection method: clinical testing. Allele origin: germline.
Comment: This sequence change replaces glutamic acid, which is acidic and polar, with lysine, which is basic and polar, at codon 268 of the COL11A1 protein (p.Glu268Lys). This variant is not present in population databases (gnomAD no frequency). This variant has not been reported in the literature in individuals affected with COL11A1-related conditions. Advanced modeling of protein sequence and biophysical properties (such as structural, functional, and spatial information, amino acid conservation, physicochemical variation, residue mobility, and thermodynamic stability) performed at Invitae indicates that this missense variant is not expected to disrupt COL11A1 protein function with a negative predictive value of 95%. In summary, the available evidence is currently insufficient to determine the role of this variant in disease. Therefore, it has been classified as a Variant of Uncertain Significance.

NM_001854.4(COL11A1):c.802G>A (p.Glu268Lys)

Gene: COL11A1 (collagen type XI alpha 1 chain; minus strand). Cytogenetic location: 1p21.1.
Variant type: single nucleotide variant.
Coding change: c.802G>A on transcript NM_001854.4 (MANE Select); coding-DNA position 802, G replaced by A.
Protein change: p.Glu268Lys; replaces glutamic acid 268 with lysine.
Molecular consequence: missense variant. On other transcripts: non-coding transcript variant (1), intron variant (2).
Genome position (GRCh38, 1-based): chr1:103,026,311, C>T on the plus strand (G>A on the coding strand, the complement: COL11A1 is on the minus strand). VCF-style: chr1-103026311-C-T. GRCh37 (hg19) VCF-style: chr1-103491867-C-T.
Other names: c.802G>A, p.Glu268Lys (NM_001168249.1, NM_080630.4); c.781-698G>A (NM_001190709.2); c.781-359G>A (NM_080629.3); short protein forms E268K.
Identifiers: ClinVar variation 2780533 (VCV002780533.3), dbSNP rs1341498364, ClinGen allele CA341157472.